The following is an entry in ClinVar:

NM_007194.4(CHEK2):c.1552del (p.Ser518fs)

Gene: CHEK2 (checkpoint kinase 2; minus strand). Cytogenetic location: 22q12.1.
Variant type: Deletion.
Coding change: c.1552del on transcript NM_007194.4 (MANE Select); coding-DNA position 1552, one base deleted (A; older notation c.1552delA).
Protein change: p.Ser518fs; shifts the reading frame from serine 518.
Molecular consequence: frameshift variant.
Genome position (GRCh38, 1-based): chr22:28,687,977, T deleted on the plus strand (A on the coding strand, the reverse complement: CHEK2 is on the minus strand). VCF-style (leftmost placement, unchanged base first): chr22-28687976-CT-C. GRCh37 (hg19) VCF-style: chr22-29083964-CT-C.
Other names: c.889delA, p.Ser297Valfs (NM_001257387.3); c.1351delA, p.Ser451Valfs (NM_001349956.3); c.1465delA, p.Ser489Valfs (NM_145862.3); c.1681delA, p.Ser561Valfs (NM_001005735.3); short protein forms S518fs, S297fs, S451fs, S489fs, S561fs.
Identifiers: ClinVar variation 4002273 (VCV004002273.1).

ClinVar aggregate classification (germline): Uncertain significance (1 of 4 stars; one submission).

Conditions:
Hereditary cancer-predisposing syndrome. Also called: Tumor predisposition; Hereditary neoplastic syndrome; Neoplastic Syndromes, Hereditary; Hereditary Cancer Syndrome. Identifiers: Orphanet 140162, MedGen C0027672, MeSH D009386, MONDO:0015356.

Submission:

Ambry Genetics
Classification: Uncertain significance for Hereditary cancer-predisposing syndrome. Last evaluated: 2025-05-29. Review status: criteria provided, single submitter. Criteria: Ambry Variant Classification Scheme 2023. Collection method: clinical testing. Allele origin: germline.
Comment: The c.1552delA variant, located in coding exon 14 of the CHEK2 gene, results from a deletion of one nucleotide at nucleotide position 1552, causing a translational frameshift with a predicted alternate stop codon (p.S518Vfs*48). This alteration occurs at the 3' terminus of theCHEK2 gene, is not expected to trigger nonsense-mediated mRNAdecay and results in the elongation of the protein by 21 amino acids. This frameshift impacts the last 26amino acids of the native protein. The exact functional effect of the altered amino acids is unknown. Based on the available evidence, the clinical significance of this variant remains unclear.